The following is an entry in ClinVar:

NM_004380.3(CREBBP):c.3472_3475delinsCCTGGGGAACTGGACTGGAAAAGAAGGG (p.Trp1158_Leu1159delinsProGlyGluLeuAspTrpLysArgArgVal)

Gene: CREBBP (CREB binding lysine acetyltransferase; minus strand). Cytogenetic location: 16p13.3.
Variant type: Indel.
Coding change: c.3472_3475delinsCCTGGGGAACTGGACTGGAAAAGAAGGG on transcript NM_004380.3 (MANE Select); coding-DNA positions 3472 to 3475, TGGC replaced by CCTGGGGAACTGGACTGGAAAAGAAGGG.
Protein change: p.Trp1158_Leu1159delinsProGlyGluLeuAspTrpLysArgArgVal.
Molecular consequence: inframe indel.
Genome position (GRCh38, 1-based): chr16:3,757,943-3,757,946, GCCA replaced by CCCTTCTTTTCCAGTCCAGTTCCCCAGG on the plus strand (TGGC replaced by CCTGGGGAACTGGACTGGAAAAGAAGGG on the coding strand, the reverse complement: CREBBP is on the minus strand). VCF-style: chr16-3757943-GCCA-CCCTTCTTTTCCAGTCCAGTTCCCCAGG. GRCh37 (hg19) VCF-style: chr16-3807944-GCCA-CCCTTCTTTTCCAGTCCAGTTCCCCAGG.
Other names: c.3358_3361delinsCCTGGGGAACTGGACTGGAAAAGAAGGG, p.Trp1120_Leu1121delinsProGlyGluLeuAspTrpLysArgArgVal (NM_001079846.1).
Identifiers: ClinVar variation 4530114 (VCV004530114.1).

ClinVar aggregate classification (somatic clinical impact): Tier I - Strong (1 of 4 stars; one submission).

Conditions:
Precursor B-cell acute lymphoblastic leukemia. Also called: B Acute Lymphoblastic Leukemia; Pre-B-cell acute lymphoblastic leukemia. Identifiers: Orphanet 99860, MedGen C0349636, MONDO:0020511, HP:0004812.

Submission:

Institute for Genomic Medicine (IGM) Clinical Laboratory, Nationwide Children's Hospital
Classification: Tier I - Strong for Precursor B-cell acute lymphoblastic leukemia. Assertion type: diagnostic. Clinical significance: supports diagnosis. Last evaluated: 2023-10-12. Review status: criteria provided, single submitter. Criteria: AMP/ASCO/CAP Guidelines, 2017. Collection method: clinical testing. Allele origin: somatic. Affected: yes.
Comment: Variant has Tier I (strong) clinical significance as a diagnostic inclusion criterion in precursor B-cell acute lymphoblastic leukemia, based on the following evidence: 1) Appears in one or more well-established professional guidelines (e.g., World Health Organization [WHO]; National Comprehensive Cancer Network [NCCN]) as providing diagnostic, prognostic, or therapeutic information. 2) Diagnostic for a specific tumor type/classification based on well-powered studies with expert-level consensus (Evidence Level B; PMIDs: 25961940, 22388726, 21390130, 21390126, 27979926, 25917266, 27872090).

Literature cited by the submitters: PubMed 25961940; PubMed 22388726; PubMed 21390130; PubMed 21390126; PubMed 27979926; PubMed 25917266; PubMed 27872090.